The following is an entry in ClinVar:

ClinVar aggregate classification (germline): Pathogenic. Review status: criteria provided, multiple submitters, no conflicts (2 of 4 stars). 22 submissions from 22 submitters: Pathogenic (17). 5 of the submissions do not count toward it. Last evaluated 2026-09-01.

Conditions:
PAH-related disorder. Also called: PAH-related condition.
Autosomal recessive PAH-related disorders.
Inborn genetic diseases. Identifiers: MedGen C0950123, MeSH D030342.
Phenylketonuria (PKU). Also called: Phenylketonuria (PKU); OLIGOPHRENIA PHENYLPYRUVICA; Phenylketonurias; FOLLING DISEASE. Identifiers: Orphanet 716, MedGen C0031485, MONDO:0009861, OMIM 261600. Disease mechanism: loss of function.

Allele frequency attached by ClinVar (database versions not stated): ExAC 0.00005; ESP Exome Variant Server 0.00008; gnomAD exomes 0.00010 and 0.00022; TOPMed 0.00011; gnomAD 0.00014 and 0.00013.
gnomAD v4.1: 338 of 1,613,198 alleles (0.021%); highest among the groups gnomAD compares: Non-Finnish European, 0.027%; no homozygotes.

Submissions 1 to 14 of 22:

CeGaT Center for Human Genetics Tuebingen
Classification: Pathogenic. Last evaluated: 2026-09-01. Review status: criteria provided, single submitter. Criteria: CeGaT Center For Human Genetics Tuebingen Variant Classification Criteria Version 2. Collection method: clinical testing. Allele origin: germline. Affected: yes. Observed: 9 variant alleles.
Comment: PAH: PM3:Very Strong, PS3, PM2, PP4:Moderate, PP3

Labcorp Genetics (formerly Invitae), Labcorp
Classification: Pathogenic for Phenylketonuria. Last evaluated: 2026-02-04. Review status: criteria provided, single submitter. Criteria: Invitae Variant Classification Sherloc (09022015). Collection method: clinical testing. Allele origin: germline.
Comment: This sequence change replaces leucine, which is neutral and non-polar, with valine, which is neutral and non-polar, at codon 348 of the PAH protein (p.Leu348Val). This variant is present in population databases (rs62516092, gnomAD 0.02%). This missense change has been observed in individuals with classic and mild phenylketonuria (PKU) (PMID: 1301187, 8632937, 18937047, 20082265). ClinVar contains an entry for this variant (Variation ID: 92727). Invitae Evidence Modeling of protein sequence and biophysical properties (such as structural, functional, and spatial information, amino acid conservation, physicochemical variation, residue mobility, and thermodynamic stability) indicates that this missense variant is expected to disrupt PAH protein function with a positive predictive value of 80%. Experimental studies have shown that this missense change affects PAH function (PMID: 10479481, 17935162, 23500595, 25596310). For these reasons, this variant has been classified as Pathogenic.

Variantyx, Inc.
Classification: Pathogenic for Autosomal recessive PAH-related disorders. Last evaluated: 2026-01-12. Review status: criteria provided, single submitter. Criteria: Variantyx Assertion Criteria 2022. Collection method: clinical testing. Allele origin: germline. Inheritance: Autosomal recessive inheritance.
Comment: This is a nonsynonymous variant in the PAH gene (OMIM: 612349). Pathogenic variants in this gene have been associated with autosomal recessive PAH-related disorders. This variant has been identified in the homozygous or compound heterozygous state in several individuals reported in the published literature (PMID: 10479481, 1301187, 25596310,33375644) and in previous internal cases (PM3). Functional studies have shown that this variant alters PAH protein function (PMID: 10479481, 10479481, 23500595, 21953985) (PS3_Very_Strong). This variant lies within a known hotspot for pathogenic variants or a well-established critical functional domain of the PAH protein (PMID: 10479481) (PM1)and multiple computational algorithms predict a deleterious effect for this variant (REVEL score: 0.866) (PP3). This variant has a 0.0272% maximum allele frequency in non-founder control populations (PM2). Based on the current evidence, this variant is classified as pathogenic for autosomal recessive PAH-related disorders.

Natera, Inc.
Classification: Pathogenic for Phenylketonuria. Last evaluated: 2025-12-30. Review status: criteria provided, single submitter. Criteria: Natera Variant Classification Schema (03/2026). Collection method: clinical testing. Allele origin: germline.
Comment: The c.1042C>G variant in PAH is a missense variant predicted to cause substitution of leucine to valine at amino acid 348. This variant is rare in the general population with a frequency below the threshold expected for the associated phenotype(s). This variant has been observed in one or more individuals affected with the associated recessive disease, as either homozygous or compound heterozygous with a second variant (PMID: 23430918). Computational prediction algorithms indicate this variant is likely to affect gene or protein function. Given the available evidence, this variant is classified as Pathogenic.

Blueprint Genetics
Classification: Pathogenic for PAH-related disorders. Last evaluated: 2024-10-17. Review status: criteria provided, single submitter. Criteria: ACMG Guidelines, 2015. Collection method: clinical testing. Allele origin: germline. Affected: yes. Observed: 5 variant alleles.

Mayo Clinic Laboratories, Mayo Clinic
Classification: Pathogenic. Last evaluated: 2023-09-25. Review status: criteria provided, single submitter. Criteria: ACMG Guidelines, 2015. Collection method: clinical testing. Allele origin: germline. Observed: 1 variant allele.
Comment: PP3, PP4, PM3_very_strong, PS3

Department of Pathology and Laboratory Medicine, Sinai Health System
Classification: Pathogenic for Phenylketonuria. Last evaluated: 2023-09-15. Review status: criteria provided, single submitter. Criteria: ACMG Guidelines, 2015. Collection method: research. Allele origin: germline.

Quest Diagnostics Nichols Institute San Juan Capistrano
Classification: Pathogenic. Last evaluated: 2023-07-13. Review status: criteria provided, single submitter. Criteria: Quest Diagnostics criteria. Collection method: clinical testing. Allele origin: unknown.
Comment: The PAH c.1042C>G (p.Leu348Val) variant has been reported in the published literature in multiple individuals affected with classical phenylketonuria or mild hyperphenylalaninemia (PMIDs: 8632937 (1996), 9012412 (1997), 18937047 (2009), 26666653 (2015), 31355225 (2019), 33375644 (2020), 34828281 (2021)). Functional studies show that this variant is destabilizing, though improvement was observed with tetrahydrobiopterin (BH4) treatment (PMID: 30648773 (2019)). The variant was also reported to have lower BH4 binding affinity (PMID: 18937047 (2009)). In addition, the variant had a PAH activity range of 8-41% of the wild-type in vitro (PMIDs: 10479481 (1999), 17935162 (2008), 25596310 (2015), 30037505 (2018)). The frequency of this variant in the general population, 0.00043 (22/50764 chromosomes (Genome Aggregation Database)), is consistent with pathogenicity. Based on the available information, this variant is classified as pathogenic.

Ambry Genetics
Classification: Pathogenic for Inborn genetic diseases. Last evaluated: 2022-09-26. Review status: criteria provided, single submitter. Criteria: Ambry Variant Classification Scheme 2023. Collection method: clinical testing. Allele origin: germline.
Comment: The c.1042C>G (p.L348V) alteration is located in exon 10 (coding exon 10) of the PAH gene. This alteration results from a C to G substitution at nucleotide position 1042, causing the leucine (L) at amino acid position 348 to be replaced by a valine (V). Based on data from gnomAD, the G allele has an overall frequency of 0.011% (31/282614) total alleles studied. The highest observed frequency was 0.022% (28/129064) of European (non-Finnish) alleles. This variant has been detected in the homozygous state or in conjunction with a second PAH variant in multiple individuals with phenylalanine hydroxylase (PAH) deficiency (Bik_multanowski, 2013; Rajabi, 2019; Su, 2019; Jeannesson, 2015; Quirk, 2012). This amino acid position is highly conserved in available vertebrate species. Functional studies indicate this alteration impairs phenylalanine hydroxylase activity (Dobrowolski, 2009; Danecka, 2015; Himmelreich, 2018). This alteration is predicted to be deleterious by in silico analysis. Based on the available evidence, this alteration is classified as pathogenic.

Greenwood Genetic Center Diagnostic Laboratories, Greenwood Genetic Center
Classification: Pathogenic for Phenylketonuria. Last evaluated: 2022-05-04. Review status: criteria provided, single submitter. Criteria: ACMG Guidelines, 2015. Collection method: clinical testing. Allele origin: germline. Affected: yes.
Comment: PS3_Moderate, PM2, PM3_Very Strong, PP3

Fulgent Genetics
Classification: Pathogenic for Phenylketonuria. Last evaluated: 2022-03-21. Review status: criteria provided, single submitter. Criteria: ACMG Guidelines, 2015. Collection method: clinical testing. Allele origin: unknown.

Laboratorio de Genetica e Diagnostico Molecular, Hospital Israelita Albert Einstein
Classification: Pathogenic. Last evaluated: 2022-01-07. Review status: criteria provided, single submitter. Criteria: ACMG Guidelines, 2015. Collection method: clinical testing. Allele origin: germline. Affected: yes.
Comment: ACMG classification criteria: PM2, PM3, PP3, PP4

Revvity Omics, Revvity
Classification: Pathogenic for Phenylketonuria. Last evaluated: 2021-09-03. Review status: criteria provided, single submitter. Criteria: ACMG Guidelines, 2015. Collection method: clinical testing. Allele origin: germline.

GeneDx
Classification: Pathogenic. Last evaluated: 2020-02-10. Review status: criteria provided, single submitter. Criteria: GeneDx Variant Classification Process June 2021. Collection method: clinical testing. Allele origin: germline. Affected: yes.
Comment: Functional studies report the in vitro phenylalanine hydroxylase activity associated with L348V as 25-44% of wild type (Couce et al., 2013; Zurfluh et al., 2008; Pey et al., 2007), and that the mutant enzyme showed a substantial reduction in binding affinity for BH4, but stabilization by BH4 was similar to wild type (Dobrowolski et al., 2009); In silico analysis supports that this missense variant has a deleterious effect on protein structure/function; Responsiveness to BH4 therapy is not clear (Zurflh et al., 2008; Dobrowolski et al., 2009; Aldmiz-Echevarra et al., 2016).; This variant is associated with the following publications: (PMID: 25750018, 10479481, 25087612, 18937047, 25596310, 21953985, 17924342, 17935162, 23500595, 28850634, 29102225, 30037505, 30648773, 31355225, 1301187, 27121329, 31589614, 32668217)

NM_000277.3(PAH):c.1042C>G (p.Leu348Val)

Gene: PAH (phenylalanine hydroxylase; minus strand). Cytogenetic location: 12q23.2.
Variant type: single nucleotide variant.
Coding change: c.1042C>G on transcript NM_000277.3 (MANE Select); coding-DNA position 1042, C replaced by G.
Protein change: p.Leu348Val; replaces leucine 348 with valine.
Molecular consequence: missense variant.
Genome position (GRCh38, 1-based): chr12:102,844,359, G>C on the plus strand (C>G on the coding strand, the complement: PAH is on the minus strand). VCF-style: chr12-102844359-G-C. GRCh37 (hg19) VCF-style: chr12-103238137-G-C.
Other names: c.1042C>G, p.Leu348Val (NM_001354304.2); c.1042C>G (NM_000277.2); short protein forms L348V.
Identifiers: ClinVar variation 92727 (VCV000092727.77), dbSNP rs62516092, ClinGen allele CA220576.